The following is an entry in ClinVar:

NM_001376.5(DYNC1H1):c.13286A>G (p.Gln4429Arg)

Gene: DYNC1H1 (dynein cytoplasmic 1 heavy chain 1; plus strand). Cytogenetic location: 14q32.31.
Variant type: single nucleotide variant.
Coding change: c.13286A>G on transcript NM_001376.5 (MANE Select); coding-DNA position 13286, A replaced by G.
Protein change: p.Gln4429Arg; replaces glutamine 4429 with arginine.
Molecular consequence: missense variant.
Genome position (GRCh38, 1-based): chr14:102,048,583, A>G. VCF-style: chr14-102048583-A-G. GRCh37 (hg19) VCF-style: chr14-102514920-A-G.
Other names: short protein forms Q4429R.
Identifiers: ClinVar variation 245792 (VCV000245792.11), dbSNP rs763724110, ClinGen allele CA7354201.

ClinVar aggregate classification (germline): Uncertain significance. Review status: criteria provided, multiple submitters, no conflicts (2 of 4 stars). 2 submissions from 2 submitters: Uncertain significance (2). Last evaluated 2019-02-28.

Conditions:
Charcot-Marie-Tooth disease axonal type 2O. Also called: Charcot-Marie-Tooth disease, axonal, type 20; Charcot-Marie-Tooth Neuropathy Type 2O; CHARCOT-MARIE-TOOTH NEUROPATHY, AXONAL, TYPE 2O; CHARCOT-MARIE-TOOTH DISEASE, AXONAL, AUTOSOMAL DOMINANT, TYPE 2O. Identifiers: Orphanet 284232, MedGen C3280220, MONDO:0013644, OMIM 614228.

Allele frequency attached by ClinVar (database versions not stated): gnomAD 0.00001; ExAC 0.00002.
gnomAD v4.1: 19 of 1,614,146 alleles (0.0012%); highest among the groups gnomAD compares: Non-Finnish European, 0.0015%; no homozygotes.

Submissions (2):

Labcorp Genetics (formerly Invitae), Labcorp
Classification: Uncertain significance for Charcot-Marie-Tooth disease axonal type 2O. Last evaluated: 2019-02-28. Review status: criteria provided, single submitter. Criteria: Invitae Variant Classification Sherloc (09022015). Collection method: clinical testing. Allele origin: germline.
Comment: This variant is present in population databases (rs763724110, ExAC 0.01%) but has not been reported in the literature in individuals with a DYNC1H1-related disease. ClinVar contains an entry for this variant (Variation ID: 245792). In summary, this variant is a rare missense change that is not predicted to affect protein function. There is no indication that it causes disease, but the available evidence is currently insufficient to prove that conclusively. Therefore, it has been classified as a Variant of Uncertain Significance. Algorithms developed to predict the effect of missense changes on protein structure and function (SIFT, PolyPhen-2, Align-GVGD) all suggest that this variant is likely to be tolerated, but these predictions have not been confirmed by published functional studies. This sequence change replaces glutamine with arginine at codon 4429 of the DYNC1H1 protein (p.Gln4429Arg). The glutamine residue is highly conserved and there is a small physicochemical difference between glutamine and arginine.

GeneDx
Classification: Uncertain significance. Last evaluated: 2015-06-10. Review status: criteria provided, single submitter. Criteria: GeneDx Variant Classification (06012015). Collection method: clinical testing. Allele origin: germline. Affected: yes.
Comment: The Q4429R variant has not been published as pathogenic, nor has it been reported as a benign polymorphism to our knowledge. It was not observed in approximately 6,500 individuals of European and African American ancestry in the NHLBI Exome Sequencing Project, indicating it is not a common benign variant in these populations. The Q4429R variant is a semi-conservative amino acid substitution, which may impact secondary protein structure as these residues differ in some properties. This substitution occurs at a position that is conserved across species. However, in silico analysis is inconsistent in its predictions as to whether or not the Q4429R variant is damaging to the protein structure/function. Therefore, based on the currently available information, it is unclear whether this variant is a pathogenic or a rare benign variant.